The following is an entry in ClinVar:

NM_023110.3(FGFR1):c.*1096AGA[1]

Genes: FGFR1 (fibroblast growth factor receptor 1; minus strand), LOC102723716 (uncharacterized LOC102723716; minus strand). Cytogenetic location: 8p11.23.
Variant type: Microsatellite.
Coding change: c.*1096AGA[1] on transcript NM_023110.3 (MANE Select); one copy of the 3-base unit AGA starting at c.*1096; the reference has two copies in a row; one copy, 3 bases deleted.
Molecular consequence: 3 prime UTR variant. On other transcripts: non-coding transcript variant (1), inframe deletion (4).
Genome position (GRCh38, 1-based): chr8:38,412,527-38,412,529, TCT deleted on the plus strand (AGA on the coding strand, the reverse complement: FGFR1 is on the minus strand); deleting any 3 consecutive bases within chr8:38,412,527-38,412,533 gives the same sequence; the position shown is the placement nearest the transcript's 3' end. VCF-style (leftmost placement, unchanged base first): chr8-38412526-ATCT-A. GRCh37 (hg19) VCF-style: chr8-38270044-ATCT-A.
Other names: c.*1096AGA[1] (NM_001174063.2, NM_001174064.2, NM_001174065.2 and 7 more transcripts); c.2350AGA[1], p.Arg785del (NM_001354367.2); c.2344AGA[1], p.Arg783del (NM_001354369.2); c.2083AGA[1], p.Arg696del (NM_001354370.2); c.2353_2355del (NM_001354367.2); short protein forms R696del, R783del, R785del.
Identifiers: ClinVar variation 4886314 (VCV004886314.2).

ClinVar aggregate classification (germline): Uncertain significance (1 of 4 stars; one submission).

Submission:

Dasa
Classification: Uncertain significance. Last evaluated: 2026-04-06. Review status: criteria provided, single submitter. Criteria: DASA Assertion Criteria. Collection method: clinical testing. Allele origin: germline.
Comment: NM_001354367.2(FGFR1):c.2353_2355del (p.Arg785del) is an in-frame deletion predicted to remove arginine at protein position 785 without shifting the reading frame. This variant is rare in population databases. The currently available literature and clinical evidence are not sufficient to establish a definitive association between this variant and the reported condition. Therefore, this variant is classified as a variant of uncertain significance.